The following is an entry in ClinVar:

NM_020066.5(FMN2):c.3120C>A (p.Gly1040=)

Gene: FMN2 (formin 2; plus strand). Cytogenetic location: 1q43.
Variant type: single nucleotide variant.
Coding change: c.3120C>A on transcript NM_020066.5 (MANE Select); coding-DNA position 3120, C replaced by A.
Protein change: p.Gly1040=; no amino-acid change (glycine 1040 retained).
Molecular consequence: synonymous variant. On other transcripts: intron variant (1).
Genome position (GRCh38, 1-based): chr1:240,207,932, C>A. VCF-style: chr1-240207932-C-A. GRCh37 (hg19) VCF-style: chr1-240371232-C-A.
Other names: c.3132C>A, p.Gly1044= (NM_001305424.2); c.1986+19670C>A (NM_001348094.2).
Identifiers: ClinVar variation 3045185 (VCV003045185.1), dbSNP rs1490885338, ClinGen allele CA424385487.

ClinVar aggregate classification (germline): Likely benign (1 of 4 stars; one submission).

Conditions:
FMN2-related disorder. Also called: FMN2-related condition.

Submission:

PreventionGenetics, part of Exact Sciences
Classification: Likely benign for FMN2-related condition. Last evaluated: 2023-01-27. Review status: criteria provided, single submitter. Criteria: ACMG Guidelines, 2015. Collection method: clinical testing. Allele origin: germline.
Comment: This variant is classified as likely benign based on ACMG/AMP sequence variant interpretation guidelines (Richards et al. 2015 PMID: 25741868, with internal and published modifications).